The following is an entry in ClinVar:

ClinVar aggregate classification (germline): Uncertain significance (1 of 4 stars; one submission).

Conditions:
Inborn genetic diseases. Identifiers: MedGen C0950123, MeSH D030342.

Allele frequency attached by ClinVar (database versions not stated): gnomAD exomes below 0.00001.

Submission:

Ambry Genetics
Classification: Uncertain significance for Inborn genetic diseases. Last evaluated: 2020-08-19. Review status: criteria provided, single submitter. Criteria: Ambry Variant Classification Scheme 2023. Collection method: clinical testing. Allele origin: germline.
Comment: The p.Q20R variant (also known as c.59A>G), located in coding exon 1 of the SHANK3 gene, results from an A to G substitution at nucleotide position 59. The glutamine at codon 20 is replaced by arginine, an amino acid with highly similar properties. This amino acid position is highly conserved in available vertebrate species. Since supporting evidence is limited at this time, the clinical significance of this alteration remains unclear.

NC_000022.11:g.50674700A>G

Gene: SHANK3 (SH3 and multiple ankyrin repeat domains 3; plus strand). Cytogenetic location: 22q13.33.
Variant type: single nucleotide variant.
Molecular consequence: missense variant (on NM_033517.1).
Genome position: GRCh38 VCF-style: chr22-50674700-A-G. GRCh37 (hg19) VCF-style: chr22-51113128-A-G.
Other names: c.59A>G, p.Gln20Arg (NM_033517.1); short protein forms Q20R.
Identifiers: ClinVar variation 1750949 (VCV001750949.2), dbSNP rs2518368066, ClinGen allele CA515250980.